The following is an entry in ClinVar:

NM_005204.4(MAP3K8):c.1094T>C (p.Ile365Thr)

Gene: MAP3K8 (mitogen-activated protein kinase kinase kinase 8; plus strand). Cytogenetic location: 10p11.23.
Variant type: single nucleotide variant.
Coding change: c.1094T>C on transcript NM_005204.4 (MANE Select); coding-DNA position 1094, T replaced by C.
Protein change: p.Ile365Thr; replaces isoleucine 365 with threonine.
Molecular consequence: missense variant.
Genome position (GRCh38, 1-based): chr10:30,459,322, T>C. VCF-style: chr10-30459322-T-C. GRCh37 (hg19) VCF-style: chr10-30748251-T-C.
Other names: c.1094T>C, p.Ile365Thr (NM_001244134.1, NM_001320961.2); short protein forms I365T.
Identifiers: ClinVar variation 4779786 (VCV004779786.1).

ClinVar aggregate classification (germline): Uncertain significance (1 of 4 stars; one submission).

gnomAD v4.1: 1 of 1,614,118 alleles (0.000062%); highest among the groups gnomAD compares: Non-Finnish European, 0.000085%; no homozygotes.

Submission:

Labcorp Genetics (formerly Invitae), Labcorp
Classification: Uncertain significance. Last evaluated: 2025-12-24. Review status: criteria provided, single submitter. Criteria: Invitae Variant Classification Sherloc (09022015). Collection method: clinical testing. Allele origin: germline.
Comment: This sequence change replaces isoleucine, which is neutral and non-polar, with threonine, which is neutral and polar, at codon 365 of the MAP3K8 protein (p.Ile365Thr). This variant is not present in population databases (gnomAD no frequency). This variant has not been reported in the literature in individuals affected with MAP3K8-related conditions. An algorithm developed to predict the effect of missense changes on protein structure and function (PolyPhen-2) suggests that this variant is likely to be tolerated. In summary, the available evidence is currently insufficient to determine the role of this variant in disease. Therefore, it has been classified as a Variant of Uncertain Significance.